The following is an entry in ClinVar:

NM_000079.4(CHRNA1):c.157G>A (p.Val53Met)

Gene: CHRNA1 (cholinergic receptor nicotinic alpha 1 subunit; minus strand). Cytogenetic location: 2q31.1.
Variant type: single nucleotide variant.
Coding change: c.157G>A on transcript NM_000079.4 (MANE Select); coding-DNA position 157, G replaced by A.
Protein change: p.Val53Met; replaces valine 53 with methionine.
Molecular consequence: missense variant.
Genome position (GRCh38, 1-based): chr2:174,759,520, C>T on the plus strand (G>A on the coding strand, the complement: CHRNA1 is on the minus strand). VCF-style: chr2-174759520-C-T. GRCh37 (hg19) VCF-style: chr2-175624248-C-T.
Other names: c.157G>A, p.Val53Met (NM_001039523.3); short protein forms V53M.
Identifiers: ClinVar variation 965848 (VCV000965848.17), dbSNP rs779877755, ClinGen allele CA1974692.

ClinVar aggregate classification (germline): Uncertain significance. Review status: criteria provided, multiple submitters, no conflicts (2 of 4 stars). 3 submissions from 3 submitters: Uncertain significance (3). Last evaluated 2025-05-28.

Conditions:
Inborn genetic diseases. Identifiers: MedGen C0950123, MeSH D030342.
Lethal multiple pterygium syndrome (LMPS). Identifiers: Orphanet 33108, MedGen C1854678, MONDO:0009668, OMIM 253290.

Allele frequency attached by ClinVar (database versions not stated): gnomAD 0.00001; gnomAD exomes 0.00001 and 0.00002; TOPMed 0.00001; ExAC 0.00002.
gnomAD v4.1: 27 of 1,614,022 alleles (0.0017%); highest among the groups gnomAD compares: Non-Finnish European, 0.0022%; no homozygotes.

Submissions (3):

Ambry Genetics
Classification: Uncertain significance for Inborn genetic diseases. Last evaluated: 2025-05-28. Review status: criteria provided, single submitter. Criteria: Ambry Variant Classification Scheme 2023. Collection method: clinical testing. Allele origin: germline.

CeGaT Center for Human Genetics Tuebingen
Classification: Uncertain significance. Last evaluated: 2025-03-01. Review status: criteria provided, single submitter. Criteria: CeGaT Center For Human Genetics Tuebingen Variant Classification Criteria Version 2. Collection method: clinical testing. Allele origin: germline. Affected: yes. Observed: 1 variant allele.
Comment: CHRNA1: PM2

Labcorp Genetics (formerly Invitae), Labcorp
Classification: Uncertain significance for Lethal multiple pterygium syndrome. Last evaluated: 2024-09-29. Review status: criteria provided, single submitter. Criteria: Invitae Variant Classification Sherloc (09022015). Collection method: clinical testing. Allele origin: germline.
Comment: This sequence change replaces valine, which is neutral and non-polar, with methionine, which is neutral and non-polar, at codon 53 of the CHRNA1 protein (p.Val53Met). This variant is present in population databases (rs779877755, gnomAD 0.004%). This variant has not been reported in the literature in individuals affected with CHRNA1-related conditions. ClinVar contains an entry for this variant (Variation ID: 965848). Invitae Evidence Modeling of protein sequence and biophysical properties (such as structural, functional, and spatial information, amino acid conservation, physicochemical variation, residue mobility, and thermodynamic stability) indicates that this missense variant is not expected to disrupt CHRNA1 protein function with a negative predictive value of 80%. In summary, the available evidence is currently insufficient to determine the role of this variant in disease. Therefore, it has been classified as a Variant of Uncertain Significance.